The following is an entry in ClinVar:

NM_012186.3(FOXE3):c.562TACGCGCCC[3] (p.188YAP[3])

Genes: FOXE3 (forkhead box E3; plus strand), LINC01389 (long independently transcribed non-coding RNA 1389; minus strand). Cytogenetic location: 1p33.
Variant type: Microsatellite.
Coding change: c.562TACGCGCCC[3] on transcript NM_012186.3 (MANE Select); three copies in a row of the 9-base unit TACGCGCCC starting at c.562; the reference has two copies in a row; one copy, 9 bases duplicated.
Protein change: p.188YAP[3].
Molecular consequence: inframe insertion.
Genome position (GRCh38, 1-based): chr1:47,416,886-47,416,894, TACGCGCCC duplicated; duplicating any 9 consecutive bases within chr1:47,416,874-47,416,894 gives the same sequence; the position shown is the placement nearest the transcript's 3' end. VCF-style (leftmost placement, unchanged base first): chr1-47416873-C-CCCCTACGCG. GRCh37 (hg19) VCF-style: chr1-47882545-C-CCCCTACGCG.
Other names: c.571_579dupTACGCGCCC (NM_012186.2).
Identifiers: ClinVar variation 945230 (VCV000945230.13), dbSNP rs768610152, ClinGen allele CA842999.

ClinVar aggregate classification (germline): Uncertain significance. Review status: criteria provided, multiple submitters, no conflicts (2 of 4 stars). 5 submissions from 5 submitters: Uncertain significance (2). 3 of the submissions do not count toward it. Last evaluated 2026-01-17.

Conditions:
FOXE3-related disorder. Also called: FOXE3-related condition.
Cardiovascular phenotype. Identifiers: MedGen CN230736.
Congenital primary aphakia. Also called: ANTERIOR SEGMENT DYSGENESIS 2; Anterior segment dysgenesis 2, multiple subtypes. Identifiers: Orphanet 83461, MedGen C1853230, MONDO:0012456, OMIM 610256.
Anterior segment dysgenesis. Also called: Ocular anterior segment dysgenesis. Identifiers: Orphanet 88632, MedGen C1862839, MONDO:0019503, HP:0007700.

Submissions (5):

Labcorp Genetics (formerly Invitae), Labcorp
Classification: Uncertain significance for Anterior segment dysgenesis; Congenital primary aphakia. Last evaluated: 2026-01-17. Review status: criteria provided, single submitter. Criteria: Invitae Variant Classification Sherloc (09022015). Collection method: clinical testing. Allele origin: germline.
Comment: This variant, c.571_579dup, results in the insertion of 3 amino acid(s) of the FOXE3 protein (p.Tyr191_Pro193dup), but otherwise preserves the integrity of the reading frame. This variant is present in population databases (rs768610152, gnomAD 0.04%). This variant has been observed in individual(s) with clinical features of FOXE3-related conditions (PMID: 20806047, 33816482). This variant is also known as c.579_580insTACGCGCCC (p.194_195insTyrAlaPro). ClinVar contains an entry for this variant (Variation ID: 945230). Experimental studies and prediction algorithms are not available or were not evaluated, and the functional significance of this variant is currently unknown. In summary, the available evidence is currently insufficient to determine the role of this variant in disease. Therefore, it has been classified as a Variant of Uncertain Significance.

Ambry Genetics
Classification: Uncertain significance for Cardiovascular phenotype. Last evaluated: 2023-11-17. Review status: criteria provided, single submitter. Criteria: Ambry Variant Classification Scheme 2023. Collection method: clinical testing. Allele origin: germline.
Comment: The c.571_579dupTACGCGCCC variant (also known as p.Y191_P193dup), located in coding exon 1 of the FOXE3 gene, results from an in-frame duplication of TACGCGCCC at nucleotide positions 571 to 579. This results in the duplication of 3 extra residues (YAP) between codons 191 and 193. In one study, this variant was reported to co-occur with a PAX6 nonsense alteration in an individual with aniridia, lens opacities, and additional ocular defects (Br&eacute;mond-Gignac D et al. Mol. Vis., 2010 Aug;16:1705-11). This amino acid region is poorly conserved in available vertebrate species. In addition, this alteration is predicted to be neutral by in silico analysis (Choi Y et al. PLoS ONE. 2012; 7(10):e46688). Since supporting evidence is limited at this time, the clinical significance of this alteration remains unclear.

PreventionGenetics, part of Exact Sciences
Classification: Uncertain significance for FOXE3-related condition. Last evaluated: 2024-06-21. Review status: no assertion criteria provided. Collection method: clinical testing. Allele origin: germline. Not counted in ClinVar's aggregate classification.
Comment: The FOXE3 c.571_579dup9 variant is predicted to result in an in-frame duplication (p.Tyr191_Pro193dup). This variant was reported in an individual with congenital cataract with aniridia, although this patient also had a likely causative variant in another gene (Brémond-Gignac et al. 2010. PubMed ID: 20806047). This variant is reported in 0.034% of alleles in individuals of African descent in gnomAD. At this time, the clinical significance of this variant is uncertain due to the absence of conclusive functional and genetic evidence.

Clinical Genetics DNA and cytogenetics Diagnostics Lab, Erasmus MC, Erasmus Medical Center
Classification: Uncertain significance. Review status: no assertion criteria provided. Collection method: clinical testing. Allele origin: germline. Affected: yes. Study: VKGL Data-share Consensus. Not counted in ClinVar's aggregate classification.

Genome Diagnostics Laboratory, University Medical Center Utrecht
Classification: Uncertain significance. Review status: no assertion criteria provided. Collection method: clinical testing. Allele origin: germline. Affected: yes. Study: VKGL Data-share Consensus. Not counted in ClinVar's aggregate classification.

Literature cited by the submitters: PubMed 20806047 (cited by Labcorp Genetics (formerly Invitae), Labcorp and Ambry Genetics); PubMed 33816482 (cited by Labcorp Genetics (formerly Invitae), Labcorp and Ambry Genetics).